The following is an entry in ClinVar:

NM_001134363.3(RBM20):c.1972T>C (p.Ser658Pro)

Gene: RBM20 (RNA binding motif protein 20; plus strand). Cytogenetic location: 10q25.2.
Variant type: single nucleotide variant.
Coding change: c.1972T>C on transcript NM_001134363.3 (MANE Select); coding-DNA position 1972, T replaced by C.
Protein change: p.Ser658Pro; replaces serine 658 with proline.
Molecular consequence: missense variant.
Genome position (GRCh38, 1-based): chr10:110,812,369, T>C. VCF-style: chr10-110812369-T-C. GRCh37 (hg19) VCF-style: chr10-112572127-T-C.
Other names: short protein forms S658P.
Identifiers: ClinVar variation 3695233 (VCV003695233.2).
Genomic context (GRCh38, chr10:110,812,369, plus strand): 5'-CCGGTGAGCCGGTCACTCTCCCCGAGGTCCCACACTCCCAGCTTCACCTCCTGCAGCTCT[T>C]CCCACAGCCCTCCGGGCCCCTCCCGGGCTGACTGGGGCAATGGCCGGGACTCCTGGGAGC-3'
Protein context (NP_001127835.2, residues 648-668): HTPSFTSCSS[Ser658Pro]HSPPGPSRAD

ClinVar aggregate classification (germline): Uncertain significance (1 of 4 stars; one submission).

Conditions:
Dilated cardiomyopathy 1DD (CMD1DD). Identifiers: Orphanet 154, MedGen C2750995, MONDO:0013168, OMIM 613172.

Submission:

Labcorp Genetics (formerly Invitae), Labcorp
Classification: Uncertain significance for Dilated cardiomyopathy 1DD. Last evaluated: 2024-06-29. Review status: criteria provided, single submitter. Criteria: Invitae Variant Classification Sherloc (09022015). Collection method: clinical testing. Allele origin: germline.
Comment: This sequence change replaces serine, which is neutral and polar, with proline, which is neutral and non-polar, at codon 658 of the RBM20 protein (p.Ser658Pro). This variant is not present in population databases (gnomAD no frequency). This variant has not been reported in the literature in individuals affected with RBM20-related conditions. Advanced modeling of protein sequence and biophysical properties (such as structural, functional, and spatial information, amino acid conservation, physicochemical variation, residue mobility, and thermodynamic stability) performed at Invitae indicates that this missense variant is not expected to disrupt RBM20 protein function with a negative predictive value of 95%. In summary, the available evidence is currently insufficient to determine the role of this variant in disease. Therefore, it has been classified as a Variant of Uncertain Significance.